The following is an entry in ClinVar:

NM_001040151.2(SCN3B):c.56-254A>C

Gene: SCN3B (sodium voltage-gated channel beta subunit 3; minus strand). Cytogenetic location: 11q24.1.
Variant type: single nucleotide variant.
Coding change: c.56-254A>C on transcript NM_001040151.2 (MANE Select); 254 bases into the intron before coding-DNA position 56, A replaced by C.
Molecular consequence: intron variant.
Genome position (GRCh38, 1-based): chr11:123,646,004, T>G on the plus strand (A>C on the coding strand, the complement: SCN3B is on the minus strand). VCF-style: chr11-123646004-T-G. GRCh37 (hg19) VCF-style: chr11-123516712-T-G.
Other names: c.56-254A>C (NM_018400.4).
Identifiers: ClinVar variation 683816 (VCV000683816.1), dbSNP rs7109479, ClinGen allele CA13525448.

ClinVar aggregate classification (germline): Benign (1 of 4 stars; one submission).

Allele frequency attached by ClinVar (database versions not stated): gnomAD 0.10618 and 0.10986; 1000 Genomes Project 0.10743; TOPMed 0.11036; 1000 Genomes Project 30x 0.11274.
gnomAD v4.1: 16,044 of 152,078 alleles (11%); highest among the groups gnomAD compares: African/African-American, 19%; 1,081 homozygotes.

Submission:

GeneDx
Classification: Benign. Last evaluated: 2018-06-14. Review status: criteria provided, single submitter. Criteria: GeneDx Variant Classification (06012015). Collection method: clinical testing. Allele origin: germline. Affected: yes.
Comment: This variant is considered likely benign or benign based on one or more of the following criteria: it is a conservative change, it occurs at a poorly conserved position in the protein, it is predicted to be benign by multiple in silico algorithms, and/or has population frequency not consistent with disease.